The following is an entry in ClinVar:

NM_006343.3(MERTK):c.553G>A (p.Val185Met)

Gene: MERTK (MER proto-oncogene, tyrosine kinase; plus strand). Cytogenetic location: 2q13.
Variant type: single nucleotide variant.
Coding change: c.553G>A on transcript NM_006343.3 (MANE Select); coding-DNA position 553, G replaced by A.
Protein change: p.Val185Met; replaces valine 185 with methionine.
Molecular consequence: missense variant.
Genome position (GRCh38, 1-based): chr2:111,945,030, G>A. VCF-style: chr2-111945030-G-A. GRCh37 (hg19) VCF-style: chr2-112702607-G-A.
Other names: c.553G>A (NM_006343.2); short protein forms V185M.
Identifiers: ClinVar variation 1404394 (VCV001404394.8), dbSNP rs56205303, ClinGen allele CA1831081.

ClinVar aggregate classification (germline): Uncertain significance. Review status: criteria provided, multiple submitters, no conflicts (2 of 4 stars). 4 submissions from 4 submitters: Uncertain significance (4). Last evaluated 2026-06-21.

Conditions:
Inborn genetic diseases. Identifiers: MedGen C0950123, MeSH D030342.
MERTK-related disorder. Also called: MERTK-related condition.

Allele frequency attached by ClinVar (database versions not stated): gnomAD 0.00004 and 0.00005; TOPMed 0.00008; gnomAD exomes 0.00011; ExAC 0.00012.
gnomAD v4.1: 218 of 1,613,362 alleles (0.014%); highest among the groups gnomAD compares: South Asian, 0.076%; no homozygotes.

Submissions (4):

PreventionGenetics, part of Exact Sciences
Classification: Uncertain significance for MERTK-related condition. Last evaluated: 2026-06-21. Review status: criteria provided, single submitter. Criteria: ACMG Guidelines, 2015. Collection method: clinical testing. Allele origin: germline.
Comment: The MERTK c.553G>A variant is predicted to result in the amino acid substitution p.Val185Met. To our knowledge, this variant has not been reported in the literature. This variant is reported in 0.078% of alleles in individuals of South Asian descent in gnomAD, which may be too frequent to be a primary cause of disease. Although we suspect that this variant may be benign, at this time, the clinical significance of this variant is uncertain due to the absence of conclusive functional and genetic evidence.

Ambry Genetics
Classification: Uncertain significance for Inborn genetic diseases. Last evaluated: 2024-10-06. Review status: criteria provided, single submitter. Criteria: Ambry Variant Classification Scheme 2023. Collection method: clinical testing. Allele origin: germline.

Labcorp Genetics (formerly Invitae), Labcorp
Classification: Uncertain significance. Last evaluated: 2022-07-19. Review status: criteria provided, single submitter. Criteria: Invitae Variant Classification Sherloc (09022015). Collection method: clinical testing. Allele origin: germline.
Comment: This sequence change replaces valine, which is neutral and non-polar, with methionine, which is neutral and non-polar, at codon 185 of the MERTK protein (p.Val185Met). This variant is present in population databases (rs56205303, gnomAD 0.08%). This variant has not been reported in the literature in individuals affected with MERTK-related conditions. ClinVar contains an entry for this variant (Variation ID: 1404394). Algorithms developed to predict the effect of missense changes on protein structure and function are either unavailable or do not agree on the potential impact of this missense change (SIFT: "Deleterious"; PolyPhen-2: "Probably Damaging"; Align-GVGD: "Class C15"). In summary, the available evidence is currently insufficient to determine the role of this variant in disease. Therefore, it has been classified as a Variant of Uncertain Significance.

Blueprint Genetics
Classification: Uncertain significance. Last evaluated: 2021-10-14. Review status: criteria provided, single submitter. Criteria: ACMG Guidelines, 2015. Collection method: clinical testing. Allele origin: germline.